The following is an entry in ClinVar:

NM_002900.3(RBP3):c.1639A>G (p.Thr547Ala)

Gene: RBP3 (retinol binding protein 3; plus strand). Cytogenetic location: 10q11.22.
Variant type: single nucleotide variant.
Coding change: c.1639A>G on transcript NM_002900.3 (MANE Select); coding-DNA position 1639, A replaced by G.
Protein change: p.Thr547Ala; replaces threonine 547 with alanine.
Molecular consequence: missense variant.
Genome position (GRCh38, 1-based): chr10:47,350,123, A>G. VCF-style: chr10-47350123-A-G. GRCh37 (hg19) VCF-style: chr10-48389239-T-C.
Other names: c.1639A>G (NM_002900.2); short protein forms T547A.
Identifiers: ClinVar variation 1524879 (VCV001524879.7), dbSNP rs1836938966, ClinGen allele CA376671112.
Genomic context (GRCh38, chr10:47,350,123, plus strand): 5'-CCGGGCCCACGCTACAGCACCCAACGTGGGGTGTATCTGCTCACCAGCCACCGCACCGCC[A>G]CGGCCGCGGAGGAGTTCGCCTTCCTTATGCAGTCGCTGGGCTGGGCCACACTGGTAGGTG-3'
Protein context (NP_002891.1, residues 537-557): VYLLTSHRTA[Thr547Ala]AAEEFAFLMQ

ClinVar aggregate classification (germline): Uncertain significance. Review status: criteria provided, multiple submitters, no conflicts (2 of 4 stars). 2 submissions from 2 submitters: Uncertain significance (2). Last evaluated 2024-12-04.

Conditions:
Inborn genetic diseases. Identifiers: MedGen C0950123, MeSH D030342.

Allele frequency attached by ClinVar (database versions not stated): gnomAD exomes below 0.00001.
gnomAD v4.1: 1 of 1,612,938 alleles (0.000062%); highest among the groups gnomAD compares: Non-Finnish European, 0.000085%; no homozygotes.

Submissions (2):

Ambry Genetics
Classification: Uncertain significance for Inborn genetic diseases. Last evaluated: 2024-12-04. Review status: criteria provided, single submitter. Criteria: Ambry Variant Classification Scheme 2023. Collection method: clinical testing. Allele origin: germline.

Labcorp Genetics (formerly Invitae), Labcorp
Classification: Uncertain significance. Last evaluated: 2021-10-29. Review status: criteria provided, single submitter. Criteria: Invitae Variant Classification Sherloc (09022015). Collection method: clinical testing. Allele origin: germline.
Comment: This variant has not been reported in the literature in individuals affected with RBP3-related conditions. This variant is not present in population databases (gnomAD no frequency). This sequence change replaces threonine, which is neutral and polar, with alanine, which is neutral and non-polar, at codon 547 of the RBP3 protein (p.Thr547Ala). Algorithms developed to predict the effect of missense changes on protein structure and function are either unavailable or do not agree on the potential impact of this missense change (SIFT: "Deleterious"; PolyPhen-2: "Benign"; Align-GVGD: "Class C0"). In summary, the available evidence is currently insufficient to determine the role of this variant in disease. Therefore, it has been classified as a Variant of Uncertain Significance.